The following is an entry in ClinVar:

ClinVar aggregate classification (germline): Likely benign. Review status: criteria provided, multiple submitters, no conflicts (2 of 4 stars). 3 submissions from 3 submitters: Likely benign (3). Last evaluated 2026-01-22.

Allele frequency attached by ClinVar (database versions not stated): ExAC 0.00006; gnomAD exomes 0.00007; gnomAD 0.00009; TOPMed 0.00009; ESP Exome Variant Server 0.00025.
gnomAD v4.1: 117 of 1,612,328 alleles (0.0073%); highest among the groups gnomAD compares: East Asian, 0.029%; 1 homozygote.

Submissions (3):

Labcorp Genetics (formerly Invitae), Labcorp
Classification: Likely benign. Last evaluated: 2026-01-22. Review status: criteria provided, single submitter. Criteria: Invitae Variant Classification Sherloc (09022015). Collection method: clinical testing. Allele origin: germline.

Blueprint Genetics
Classification: Likely benign. Last evaluated: 2024-10-28. Review status: criteria provided, single submitter. Criteria: ACMG Guidelines, 2015. Collection method: clinical testing. Allele origin: germline.

CeGaT Center for Human Genetics Tuebingen
Classification: Likely benign. Last evaluated: 2023-11-01. Review status: criteria provided, single submitter. Criteria: CeGaT Center For Human Genetics Tuebingen Variant Classification Criteria Version 2. Collection method: clinical testing. Allele origin: germline. Affected: yes. Observed: 1 variant allele.
Comment: XPC: BP4, BP7

NM_004628.5(XPC):c.2688G>A (p.Ala896=)

Gene: XPC (XPC complex subunit, DNA damage recognition and repair factor; minus strand). Cytogenetic location: 3p25.1.
Variant type: single nucleotide variant.
Coding change: c.2688G>A on transcript NM_004628.5 (MANE Select); coding-DNA position 2688, G replaced by A.
Protein change: p.Ala896=; no amino-acid change (alanine 896 retained).
Molecular consequence: synonymous variant. On other transcripts: non-coding transcript variant (2).
Genome position (GRCh38, 1-based): chr3:14,146,076, C>T on the plus strand (G>A on the coding strand, the complement: XPC is on the minus strand). VCF-style: chr3-14146076-C-T. GRCh37 (hg19) VCF-style: chr3-14187576-C-T.
Other names: c.2109G>A, p.Ala703= (NM_001354726.2); c.2682G>A, p.Ala894= (NM_001354727.2); c.2670G>A, p.Ala890= (NM_001354729.2); c.2442G>A, p.Ala814= (NM_001354730.2).
Identifiers: ClinVar variation 718684 (VCV000718684.34), dbSNP rs368832210, ClinGen allele CA2267039.